The following is an entry in ClinVar:

NM_014391.3(ANKRD1):c.346-10_346-9del

Gene: ANKRD1 (ankyrin repeat domain 1; minus strand). Cytogenetic location: 10q23.31.
Variant type: Deletion.
Coding change: c.346-10_346-9del on transcript NM_014391.3 (MANE Select); 10 bases into the intron before coding-DNA position 346 through 9 bases into the intron before coding-DNA position 346, 2 bases deleted (TT; older notation c.346-10_346-9delTT).
Molecular consequence: intron variant.
Genome position (GRCh38, 1-based): chr10:90,918,981-90,918,982, AA deleted on the plus strand (TT on the coding strand, the reverse complement: ANKRD1 is on the minus strand); deleting any 2 consecutive bases within chr10:90,918,981-90,918,984 gives the same sequence; the c. name uses the placement nearest the transcript's 3' end. VCF-style (leftmost placement, unchanged base first): chr10-90918980-CAA-C. GRCh37 (hg19) VCF-style: chr10-92678737-CAA-C.
Identifiers: ClinVar variation 3058827 (VCV003058827.2), dbSNP rs1491333373, ClinGen allele CA595185715.

ClinVar aggregate classification (germline): Likely benign (0 of 4 stars; one submission).

Conditions:
ANKRD1-related disorder. Also called: ANKRD1-related condition.

Submission:

PreventionGenetics, part of Exact Sciences
Classification: Likely benign for ANKRD1-related condition. Last evaluated: 2020-09-18. Review status: no assertion criteria provided. Collection method: clinical testing. Allele origin: germline.
Comment: This variant is classified as likely benign based on ACMG/AMP sequence variant interpretation guidelines (Richards et al. 2015 PMID: 25741868, with internal and published modifications).